The following is an entry in ClinVar:

NM_001430.5(EPAS1):c.552C>A (p.Asn184Lys)

Genes: EPAS1 (endothelial PAS domain protein 1; plus strand), LOC126806210 (BRD4-independent group 4 enhancer GRCh37_chr2:46587586-46588785; plus strand). Cytogenetic location: 2p21.
Variant type: single nucleotide variant.
Coding change: c.552C>A on transcript NM_001430.5 (MANE Select); coding-DNA position 552, C replaced by A.
Protein change: p.Asn184Lys; replaces asparagine 184 with lysine.
Molecular consequence: missense variant.
Genome position (GRCh38, 1-based): chr2:46,360,735, C>A. VCF-style: chr2-46360735-C-A. GRCh37 (hg19) VCF-style: chr2-46587874-C-A.
Other names: short protein forms N184K.
Identifiers: ClinVar variation 3221660 (VCV003221660.1), dbSNP rs1684368453, ClinGen allele CA346699414.

ClinVar aggregate classification (germline): Uncertain significance (1 of 4 stars; one submission).

Conditions:
Inborn genetic diseases. Identifiers: MedGen C0950123, MeSH D030342.

Submission:

Ambry Genetics
Classification: Uncertain significance for Inborn genetic diseases. Last evaluated: 2023-12-18. Review status: criteria provided, single submitter. Criteria: Ambry Variant Classification Scheme 2023. Collection method: clinical testing. Allele origin: germline.
Comment: The p.N184K variant (also known as c.552C>A), located in coding exon 5 of the EPAS1 gene, results from a C to A substitution at nucleotide position 552. The asparagine at codon 184 is replaced by lysine, an amino acid with similar properties. This amino acid position is conserved. In addition, this alteration is predicted to be tolerated by in silico analysis. Since supporting evidence is limited at this time, the clinical significance of this alteration remains unclear.